The following is an entry in ClinVar:

NM_000070.3(CAPN3):c.739G>A (p.Asp247Asn)

Gene: CAPN3 (calpain 3; plus strand). Cytogenetic location: 15q15.1.
Variant type: single nucleotide variant.
Coding change: c.739G>A on transcript NM_000070.3 (MANE Select); coding-DNA position 739, G replaced by A.
Protein change: p.Asp247Asn; replaces aspartic acid 247 with asparagine.
Molecular consequence: missense variant.
Genome position (GRCh38, 1-based): chr15:42,389,034, G>A. VCF-style: chr15-42389034-G-A. GRCh37 (hg19) VCF-style: chr15-42681232-G-A.
Other names: c.739G>A, p.Asp247Asn (NM_024344.2, NM_173087.2); short protein forms D247N.
Identifiers: ClinVar variation 555279 (VCV000555279.4), dbSNP rs1251403881, ClinGen allele CA391998273.

ClinVar aggregate classification (germline): Uncertain significance. Review status: criteria provided, single submitter (1 of 4 stars). 2 submissions from 2 submitters: Uncertain significance (1). 1 of the submissions does not count toward it. Last evaluated 2022-07-03.

Conditions:
Autosomal recessive limb-girdle muscular dystrophy type 2A (LGMDR1). Also called: Muscular dystrophy, limb-girdle, type 2A, Amish; LEYDEN-MOEBIUS MUSCULAR DYSTROPHY; MUSCULAR DYSTROPHY, PELVOFEMORAL; Limb-girdle muscular dystrophy, type 2A; Calpainopathy. Identifiers: Orphanet 267, MedGen C1869123, MONDO:0009675, OMIM 253600. Disease mechanism: loss of function.

Allele frequency attached by ClinVar (database versions not stated): gnomAD exomes below 0.00001.
gnomAD v4.1: 4 of 1,614,112 alleles (0.00025%); highest among the groups gnomAD compares: Non-Finnish European, 0.00034%; no homozygotes.

Submissions (2):

Labcorp Genetics (formerly Invitae), Labcorp
Classification: Uncertain significance for Autosomal recessive limb-girdle muscular dystrophy type 2A. Last evaluated: 2022-07-03. Review status: criteria provided, single submitter. Criteria: Invitae Variant Classification Sherloc (09022015). Collection method: clinical testing. Allele origin: germline.
Comment: This sequence change replaces aspartic acid, which is acidic and polar, with asparagine, which is neutral and polar, at codon 247 of the CAPN3 protein (p.Asp247Asn). This variant is present in population databases (no rsID available, gnomAD 0.0009%). This missense change has been observed in individual(s) with limb-girdle muscular dystrophy (PMID: 16141003). ClinVar contains an entry for this variant (Variation ID: 555279). Algorithms developed to predict the effect of missense changes on protein structure and function are either unavailable or do not agree on the potential impact of this missense change (SIFT: "Deleterious"; PolyPhen-2: "Possibly Damaging"; Align-GVGD: "Class C0"). In summary, the available evidence is currently insufficient to determine the role of this variant in disease. Therefore, it has been classified as a Variant of Uncertain Significance.

Counsyl
Classification: Uncertain significance for Autosomal recessive limb-girdle muscular dystrophy type 2A. Last evaluated: 2017-11-27. Review status: no assertion criteria provided. Collection method: clinical testing. Allele origin: unknown. Not counted in ClinVar's aggregate classification.

Literature cited by the submitters: PubMed 16141003 (cited by Labcorp Genetics (formerly Invitae), Labcorp and Counsyl).